The following is an entry in ClinVar:

ClinVar aggregate classification (germline): Uncertain significance (1 of 4 stars; one submission).

Submission:

GeneDx
Classification: Uncertain significance. Last evaluated: 2024-06-26. Review status: criteria provided, single submitter. Criteria: GeneDx Variant Classification Process June 2021. Collection method: clinical testing. Allele origin: germline. Affected: yes.
Comment: Not observed at significant frequency in large population cohorts (gnomAD); In silico analysis indicates that this missense variant does not alter protein structure/function; Has not been previously published as pathogenic or benign to our knowledge

NM_152296.5(ATP1A3):c.50A>T (p.Lys17Met)

Gene: ATP1A3 (ATPase Na+/K+ transporting subunit alpha 3; minus strand). Cytogenetic location: 19q13.2.
Variant type: single nucleotide variant.
Coding change: c.50A>T on transcript NM_152296.5 (MANE Select); coding-DNA position 50, A replaced by T.
Protein change: p.Lys17Met; replaces lysine 17 with methionine.
Molecular consequence: missense variant.
Genome position (GRCh38, 1-based): chr19:41,988,519, T>A on the plus strand (A>T on the coding strand, the complement: ATP1A3 is on the minus strand). VCF-style: chr19-41988519-T-A. GRCh37 (hg19) VCF-style: chr19-42492671-T-A.
Other names: c.83A>T, p.Lys28Met (NM_001256213.2); c.89A>T, p.Lys30Met (NM_001256214.2); short protein forms K17M, K28M, K30M.
Identifiers: ClinVar variation 3392916 (VCV003392916.1).